The following is an entry in ClinVar:

NM_000159.4(GCDH):c.541G>C (p.Glu181Gln)

Gene: GCDH (glutaryl-CoA dehydrogenase; plus strand). Cytogenetic location: 19p13.13.
Variant type: single nucleotide variant.
Coding change: c.541G>C on transcript NM_000159.4 (MANE Select); coding-DNA position 541, G replaced by C.
Protein change: p.Glu181Gln; replaces glutamic acid 181 with glutamine.
Molecular consequence: missense variant. On other transcripts: non-coding transcript variant (2).
Genome position (GRCh38, 1-based): chr19:12,896,027, G>C. VCF-style: chr19-12896027-G-C. GRCh37 (hg19) VCF-style: chr19-13006841-G-C.
Other names: c.541G>C, p.Glu181Gln (NM_013976.5); short protein forms E181Q.
Identifiers: ClinVar variation 522644 (VCV000522644.8), dbSNP rs745852738, ClinGen allele CA9234426.
Genomic context (GRCh38, chr19:12,896,027, plus strand): 5'-TTGTGACTTTGTCTTGTGCCTGCAGCCAAGGGGGAGCTCCTGGGCTGCTTCGGGCTCACA[G>C]AGCCCAACAGCGGAAGTGACCCCAGCAGCATGGAGACCAGAGCCCACTACAACTCATCCA-3'
Protein context (NP_000150.1, residues 171-191): GELLGCFGLT[Glu181Gln]PNSGSDPSSM

ClinVar aggregate classification (germline): Pathogenic/Likely pathogenic. Review status: criteria provided, multiple submitters, no conflicts (2 of 4 stars). 4 submissions from 4 submitters: Pathogenic (2); Likely pathogenic (1). 1 of the submissions does not count toward it. Last evaluated 2025-06-24.

Conditions:
Glutaric aciduria, type 1. Also called: Glutaryl-CoA dehydrogenase deficiency; Glutaricaciduria, type I; Glutaric Acidemia Type 1; Glutaric acidemia type I; Glutaricacidemia Type 1; GA I. Identifiers: Orphanet 25, MedGen C0268595, MONDO:0009281, OMIM 231670.

Allele frequency attached by ClinVar (database versions not stated): gnomAD exomes below 0.00001; ExAC 0.00001.
gnomAD v4.1: 1 of 1,614,124 alleles (0.000062%); highest among the groups gnomAD compares: South Asian, 0.0011%; no homozygotes.

Submissions (4):

Natera, Inc.
Classification: Likely pathogenic for Glutaric acidemia type 1. Last evaluated: 2025-06-24. Review status: criteria provided, single submitter. Criteria: Natera Variant Classification Schema (03/2026). Collection method: clinical testing. Allele origin: germline.
Comment: The c.541G>C variant in GCDH is a missense variant predicted to cause substitution of glutamic acid to glutamine at amino acid 181. This variant is rare in the general population with a frequency below the threshold expected for the associated phenotype(s). This variant has been observed in one or more individuals affected with the associated recessive disease, as either homozygous or compound heterozygous with a second variant (PMID: 25204480, 15505393). Computational prediction algorithms indicate this variant is likely to affect gene or protein function. Given the available evidence, this variant is classified as Likely Pathogenic.

Genomic Research Center, Shahid Beheshti University of Medical Sciences
Classification: Pathogenic for Glutaric aciduria, type 1. Last evaluated: 2017-12-03. Review status: criteria provided, single submitter. Criteria: ACMG Guidelines, 2015. Collection method: clinical testing. Allele origin: inherited. Affected: yes.

Kariminejad - Najmabadi Pathology & Genetics Center
Classification: Pathogenic for Glutaric aciduria, type 1. Review status: criteria provided, single submitter. Criteria: ACMG Guidelines, 2015. Collection method: clinical testing. Allele origin: germline. Affected: no.

GeneReviews
No classification provided. Condition: Glutaric aciduria, type 1. Review status: no classification provided. Collection method: literature only. Allele origin: germline. Not counted in ClinVar's aggregate classification.
Comment: Common variant in Iran & Turkey

Literature cited by the submitters: PubMed 25204480 (cited by Natera, Inc. and GeneReviews); PubMed 15505393 (cited by Natera, Inc.); PubMed 31536184 (cited by GeneReviews).